The following is an entry in ClinVar:

ClinVar aggregate classification (germline): Uncertain significance. Review status: criteria provided, single submitter (1 of 4 stars). 2 submissions from 2 submitters: Uncertain significance (1). 1 of the submissions does not count toward it. Last evaluated 2025-09-15.

Conditions:
Hypophosphatasia. Also called: Phosphoethanol-aminuria. Identifiers: Orphanet 436, MedGen C0020630, MeSH D007014, MONDO:0018570.

gnomAD v4.1: 1 of 1,604,944 alleles (0.000062%); highest among the groups gnomAD compares: Non-Finnish European, 0.000085%; no homozygotes.

Submissions (2):

Labcorp Genetics (formerly Invitae), Labcorp
Classification: Uncertain significance. Last evaluated: 2025-09-15. Review status: criteria provided, single submitter. Criteria: Invitae Variant Classification Sherloc (09022015). Collection method: clinical testing. Allele origin: germline.
Comment: This sequence change falls in intron 5 of the ALPL gene. It does not directly change the encoded amino acid sequence of the ALPL protein. It affects a nucleotide within the consensus splice site. This variant is not present in population databases (gnomAD no frequency). This variant has not been reported in the literature in individuals affected with ALPL-related conditions. ClinVar contains an entry for this variant (Variation ID: 3706209). Variants that disrupt the consensus splice site are a relatively common cause of aberrant splicing (PMID: 17576681, 9536098). Algorithms developed to predict the effect of sequence changes on RNA splicing suggest that this variant may create or strengthen a splice site. In summary, the available evidence is currently insufficient to determine the role of this variant in disease. Therefore, it has been classified as a Variant of Uncertain Significance.

Natera, Inc.
Classification: Uncertain significance for Hypophosphatasia. Last evaluated: 2025-01-22. Review status: no assertion criteria provided. Collection method: clinical testing. Allele origin: germline. Not counted in ClinVar's aggregate classification.

Literature cited by the submitters: PubMed 17576681 (cited by Labcorp Genetics (formerly Invitae), Labcorp); PubMed 9536098 (cited by Labcorp Genetics (formerly Invitae), Labcorp).

NM_000478.6(ALPL):c.472+4A>C

Gene: ALPL (alkaline phosphatase, biomineralization associated; plus strand). Cytogenetic location: 1p36.12.
Variant type: single nucleotide variant.
Coding change: c.472+4A>C on transcript NM_000478.6 (MANE Select); 4 bases into the intron after coding-DNA position 472, A replaced by C.
Molecular consequence: intron variant.
Genome position (GRCh38, 1-based): chr1:21,563,288, A>C. VCF-style: chr1-21563288-A-C. GRCh37 (hg19) VCF-style: chr1-21889781-A-C.
Other names: c.472+4A>C (NM_000478.5, NM_001369805.2, NM_001369804.2 and 1 more transcripts); c.307+4A>C (NM_001127501.4); c.241+4A>C (NM_001177520.3).
Identifiers: ClinVar variation 3706209 (VCV003706209.3).
Genomic context (GRCh38, chr1:21,563,288, plus strand): 5'-GCAACACCACCCAGGGGAACGAGGTCACCTCCATCCTGCGCTGGGCCAAGGACGCTGGTG[A>C]GTCGGGGGAGCAGTGGGGAGCAGGGCCAGCTTCGTGGCCTGTCCAGGCCTCAGTCTTTCT-3'